The following is an entry in ClinVar:

NM_020529.3(NFKBIA):c.*78GAA[1]

Gene: NFKBIA (NFKB inhibitor alpha; minus strand). Cytogenetic location: 14q13.2.
Variant type: Microsatellite.
Coding change: c.*78GAA[1] on transcript NM_020529.3 (MANE Select); one copy of the 3-base unit GAA starting at c.*78; the reference has two copies in a row; one copy, 3 bases deleted.
Molecular consequence: 3 prime UTR variant.
Genome position (GRCh38, 1-based): chr14:35,401,930-35,401,932, TTC deleted on the plus strand (GAA on the coding strand, the reverse complement: NFKBIA is on the minus strand); deleting any 3 consecutive bases within chr14:35,401,930-35,401,937 gives the same sequence; the position shown is the placement nearest the transcript's 3' end. VCF-style (leftmost placement, unchanged base first): chr14-35401929-TTTC-T. GRCh37 (hg19) VCF-style: chr14-35871135-TTTC-T.
Identifiers: ClinVar variation 313106 (VCV000313106.7), dbSNP rs145753299, ClinGen allele CA10645278.

ClinVar aggregate classification (germline): Benign. Review status: criteria provided, multiple submitters, no conflicts (2 of 4 stars). 2 submissions from 2 submitters: Benign (2). Last evaluated 2023-11-12.

Submissions (2):

Unidad de Genómica Garrahan, Hospital de Pediatría Garrahan
Classification: Benign. Last evaluated: 2023-11-12. Review status: criteria provided, single submitter. Criteria: ACMG Guidelines, 2015. Collection method: clinical testing. Allele origin: germline. Affected: no. Observed: 27 variant alleles.
Comment: This variant is classified as Benign based on local population frequency. This variant was detected in 28% of patients studied by a panel of primary immunodeficiencies. Number of patients: 27. Only high quality variants are reported.

GeneDx
Classification: Benign. Last evaluated: 2021-06-20. Review status: criteria provided, single submitter. Criteria: GeneDx Variant Classification Process June 2021. Collection method: clinical testing. Allele origin: germline. Affected: yes.